The following is an entry in ClinVar:

NM_000414.4(HSD17B4):c.1109A>T (p.Asp370Val)

Gene: HSD17B4 (hydroxysteroid 17-beta dehydrogenase 4; plus strand). Cytogenetic location: 5q23.1.
Variant type: single nucleotide variant.
Coding change: c.1109A>T on transcript NM_000414.4 (MANE Select); coding-DNA position 1109, A replaced by T.
Protein change: p.Asp370Val; replaces aspartic acid 370 with valine.
Molecular consequence: missense variant. On other transcripts: non-coding transcript variant (2).
Genome position (GRCh38, 1-based): chr5:119,499,453, A>T. VCF-style: chr5-119499453-A-T. GRCh37 (hg19) VCF-style: chr5-118835148-A-T.
Other names: c.1184A>T, p.Asp395Val (NM_001199291.3); c.1055A>T, p.Asp352Val (NM_001199292.2); c.1037A>T, p.Asp346Val (NM_001292027.2); c.689A>T, p.Asp230Val (NM_001292028.2); c.1100A>T, p.Asp367Val (NM_001374497.1); c.1109A>T, p.Asp370Val (NM_001374498.1); c.782A>T, p.Asp261Val (NM_001374499.1); c.668A>T, p.Asp223Val (NM_001374500.1); and 1 more; short protein forms D261V, D346V, D370V, D233V, D367V, D223V, D230V, D395V.
Identifiers: ClinVar variation 2021996 (VCV002021996.1), dbSNP rs2531742871, ClinGen allele CA360868145.

ClinVar aggregate classification (germline): Uncertain significance (1 of 4 stars; one submission).

Conditions:
Perrault syndrome. Also called: Gonadal dysgenesis with auditory dysfunction, autosomal recessive inheritance. Identifiers: Orphanet 2855, MedGen C0685838, MONDO:0017312.
Bifunctional peroxisomal enzyme deficiency (DBIF). Also called: DBP DEFICIENCY; PBFE DEFICIENCY; D-bifunctional protein deficiency. Identifiers: Orphanet 300, MedGen C0342870, MONDO:0009855, OMIM 261515. Disease mechanism: loss of function.

Allele frequency attached by ClinVar (database versions not stated): gnomAD exomes 0.00001.
gnomAD v4.1: 8 of 1,613,774 alleles (0.0005%); highest among the groups gnomAD compares: South Asian, 0.0011%; no homozygotes.

Submission:

Labcorp Genetics (formerly Invitae), Labcorp
Classification: Uncertain significance for Perrault syndrome; Bifunctional peroxisomal enzyme deficiency. Last evaluated: 2022-01-06. Review status: criteria provided, single submitter. Criteria: Invitae Variant Classification Sherloc (09022015). Collection method: clinical testing. Allele origin: germline.
Comment: This sequence change replaces aspartic acid, which is acidic and polar, with valine, which is neutral and non-polar, at codon 370 of the HSD17B4 protein (p.Asp370Val). This variant is not present in population databases (gnomAD no frequency). This variant has not been reported in the literature in individuals affected with HSD17B4-related conditions. Advanced modeling of protein sequence and biophysical properties (such as structural, functional, and spatial information, amino acid conservation, physicochemical variation, residue mobility, and thermodynamic stability) performed at Invitae indicates that this missense variant is expected to disrupt HSD17B4 protein function. In summary, the available evidence is currently insufficient to determine the role of this variant in disease. Therefore, it has been classified as a Variant of Uncertain Significance.